The following is an entry in ClinVar:

NM_007294.4(BRCA1):c.2333G>A (p.Gly778Asp)

Gene: BRCA1 (BRCA1 DNA repair associated; minus strand). Cytogenetic location: 17q21.31.
Variant type: single nucleotide variant.
Coding change: c.2333G>A on transcript NM_007294.4 (MANE Select); coding-DNA position 2333, G replaced by A.
Protein change: p.Gly778Asp; replaces glycine 778 with aspartic acid.
Molecular consequence: missense variant. On other transcripts: intron variant (137).
Genome position (GRCh38, 1-based): chr17:43,093,198, C>T on the plus strand (G>A on the coding strand, the complement: BRCA1 is on the minus strand). VCF-style: chr17-43093198-C-T. GRCh37 (hg19) VCF-style: chr17-41245215-C-T.
Other names: p.G778D:GGC>GAC; c.2120G>A, p.Gly707Asp (NM_001407897.1, NM_001407898.1, NM_001407899.1 and 9 more transcripts); c.2123G>A, p.Gly708Asp (NM_001407900.1, NM_001407902.1, NM_001407904.1 and 13 more transcripts); c.2210G>A, p.Gly737Asp (NM_001407919.1, NM_001407937.1, NM_001407938.1 and 19 more transcripts); c.2069G>A, p.Gly690Asp (NM_001407920.1, NM_001407921.1, NM_001407922.1 and 9 more transcripts); c.2066G>A, p.Gly689Asp (NM_001407930.1, NM_001407931.1, NM_001407932.1 and 2 more transcripts); c.2207G>A, p.Gly736Asp (NM_001407940.1, NM_001407941.1, NM_001407649.1 and 11 more transcripts); c.2192G>A, p.Gly731Asp (NM_001407942.1, NM_001407944.1, NM_001407945.1 and 29 more transcripts); and 42 more; short protein forms G778D, G731D, G610D, G651D, G711D, G730D, G751D, G710D.
Identifiers: ClinVar variation 182147 (VCV000182147.22), dbSNP rs730881483, ClinGen allele CA001559.
Genomic context (GRCh38, chr17:43,093,198, plus strand): 5'-GGTTCTGTTTTTGCCTTCCCTAGAGTGCTAACTTCCAGTAACGAGATACTTTCCTGAGTG[C>T]CATAATCAGTACCAGGTACCAATGAAATACTGCTACTCTCTACAGATCTTTCAGTTTGCA-3'
Protein context (NP_009225.1, residues 768-788): SISLVPGTDY[Gly778Asp]TQESISLLEV

ClinVar aggregate classification (germline): Conflicting classifications of pathogenicity. Review status: criteria provided, conflicting classifications (1 of 4 stars). 5 submissions from 5 submitters: Uncertain significance (4); Likely benign (1). Last evaluated 2025-08-25.

Conditions:
Familial cancer of breast. Also called: BREAST CANCER, FAMILIAL; Hereditary breast cancer; hereditary breast carcinoma. Identifiers: Orphanet 227535, MedGen C0346153, MONDO:0016419, OMIM 114480. Disease mechanism: loss of function.
Hereditary cancer-predisposing syndrome. Also called: Tumor predisposition; Hereditary Cancer Syndrome; Hereditary neoplastic syndrome; Neoplastic Syndromes, Hereditary. Identifiers: Orphanet 140162, MedGen C0027672, MeSH D009386, MONDO:0015356.
Hereditary breast ovarian cancer syndrome. Also called: Breast and ovarian cancer; Hereditary breast and ovarian cancer; Hereditary breast and/or ovarian cancer syndrome; BRCA1- and BRCA2-Associated Hereditary Breast and Ovarian Cancer; Hereditary breast and ovarian cancer syndrome (HBOC); Hereditary breast and ovarian cancer syndrome. Identifiers: Orphanet 145, MedGen C0677776, MeSH D061325, MONDO:0003582. Disease mechanism: loss of function.

Allele frequency attached by ClinVar (database versions not stated): gnomAD exomes below 0.00001; gnomAD 0.00001; TOPMed 0.00002.
gnomAD v4.1: 5 of 1,613,720 alleles (0.00031%); highest among the groups gnomAD compares: Non-Finnish European, 0.00042%; no homozygotes.

Submissions (5):

Ambry Genetics
Classification: Uncertain significance for Hereditary cancer-predisposing syndrome. Last evaluated: 2025-08-25. Review status: criteria provided, single submitter. Criteria: Ambry Variant Classification Scheme 2023. Collection method: clinical testing. Allele origin: germline.
Comment: The p.G778D variant (also known as c.2333G>A), located in coding exon 9 of the BRCA1 gene, results from a G to A substitution at nucleotide position 2333. The glycine at codon 778 is replaced by aspartic acid, an amino acid with similar properties. This amino acid position is not well conserved in available vertebrate species. In addition, this alteration is predicted to be tolerated by in silico analysis. Since supporting evidence is limited at this time, the clinical significance of this alteration remains unclear.

Color Diagnostics, LLC DBA Color Health
Classification: Uncertain significance for Hereditary cancer-predisposing syndrome. Last evaluated: 2025-07-03. Review status: criteria provided, single submitter. Criteria: ACMG Guidelines, 2015. Collection method: clinical testing. Allele origin: germline.
Comment: This missense variant replaces glycine with aspartic acid at codon 778 of the BRCA1 protein. Computational prediction suggests that this variant may not impact protein structure and function. To our knowledge, functional studies have not been reported for this variant. This variant has not been reported in individuals affected with BRCA1-related disorders in the literature. This variant has been identified in 1/250812 chromosomes in the general population by the Genome Aggregation Database (gnomAD). The available evidence is insufficient to determine the role of this variant in disease conclusively. Therefore, this variant is classified as a Variant of Uncertain Significance.

Labcorp Genetics (formerly Invitae), Labcorp
Classification: Uncertain significance for Hereditary breast ovarian cancer syndrome. Last evaluated: 2025-06-19. Review status: criteria provided, single submitter. Criteria: Invitae Variant Classification Sherloc (09022015). Collection method: clinical testing. Allele origin: germline.
Comment: This sequence change replaces glycine, which is neutral and non-polar, with aspartic acid, which is acidic and polar, at codon 778 of the BRCA1 protein (p.Gly778Asp). This variant is present in population databases (rs730881483, gnomAD 0.0009%). This variant has not been reported in the literature in individuals affected with BRCA1-related conditions. ClinVar contains an entry for this variant (Variation ID: 182147). Invitae Evidence Modeling of protein sequence and biophysical properties (such as structural, functional, and spatial information, amino acid conservation, physicochemical variation, residue mobility, and thermodynamic stability) indicates that this missense variant is not expected to disrupt BRCA1 protein function with a negative predictive value of 80%. In summary, the available evidence is currently insufficient to determine the role of this variant in disease. Therefore, it has been classified as a Variant of Uncertain Significance.

University of Washington Department of Laboratory Medicine, University of Washington
Classification: Likely benign for Hereditary cancer-predisposing syndrome. Last evaluated: 2023-03-23. Review status: criteria provided, single submitter. Criteria: Dines et al. (Genet Med. 2020). Collection method: curation. Allele origin: germline.
Comment: Missense variant in a coldspot region where missense variants are very unlikely to be pathogenic (PMID:31911673).

BRCA1 coldspot (exon 11 using historical exon numbering). Reclassification based on statistical prior probability

GeneDx
Classification: Uncertain significance for Familial cancer of breast. Last evaluated: 2014-08-08. Review status: criteria provided, single submitter. Criteria: GeneDx Variant Classification (06012015). Collection method: clinical testing. Allele origin: germline. Affected: yes.
Comment: This variant is denoted BRCA1 c.2333G>A at the cDNA level, p.Gly778Asp (G778D) at the protein level, and results in the change of a Glycine to an Aspartic Acid (GGC>GAC) in exon 10. This variant has not, to our knowledge, been published in the literature as either a mutation or a benign polymorphism. This variant has been observed in a lung tumor as a somatic variation (COSMIC). BRCA1 Gly778Asp was not observed in approximately 6,500 individuals of European and African American ancestry in the NHLBI Exome Sequencing Project, indicating it is not a common benign variant in these populations. Since Glycine and Aspartic Acid differ in polarity, charge, size or other properties, this is considered a non-conservative amino acid substitution. BRCA1 Gly778Asp alters a position that is variable across species and tolerates D in several species, and is not located in a known functional domain. In silico analyses predict that this variant is unlikely to alter protein structure or function. Based on currently available information, it is unclear whether BRCA1 Gly778Asp is a pathogenic mutation or a benign variant. The variant is found in HEREDICANCER panel(s).